The following is an entry in ClinVar:

NM_001903.5(CTNNA1):c.2000A>G (p.Gln667Arg)

Gene: CTNNA1 (catenin alpha 1; plus strand). Cytogenetic location: 5q31.2.
Variant type: single nucleotide variant.
Coding change: c.2000A>G on transcript NM_001903.5 (MANE Select); coding-DNA position 2000, A replaced by G.
Protein change: p.Gln667Arg; replaces glutamine 667 with arginine.
Molecular consequence: missense variant.
Genome position (GRCh38, 1-based): chr5:138,929,346, A>G. VCF-style: chr5-138929346-A-G. GRCh37 (hg19) VCF-style: chr5-138265035-A-G.
Other names: c.2000A>G, p.Gln667Arg (NM_001290307.3, NM_001323982.2, NM_001323983.1 and 2 more transcripts); c.1691A>G, p.Gln564Arg (NM_001290309.3); c.1631A>G, p.Gln544Arg (NM_001290310.3); c.890A>G, p.Gln297Arg (NM_001290312.1, NM_001323987.1, NM_001323988.1 and 17 more transcripts); c.1907A>G, p.Gln636Arg (NM_001323986.2); c.551A>G, p.Gln184Arg (NM_001324006.1, NM_001324007.1, NM_001324008.1 and 2 more transcripts); c.797A>G, p.Gln266Arg (NM_001324011.1); c.647A>G, p.Gln216Arg (NM_001324012.1, NM_001324013.1); and 1 more; short protein forms Q216R, Q667R, Q266R, Q564R, Q636R, Q184R, Q297R, Q544R.
Identifiers: ClinVar variation 941776 (VCV000941776.10), dbSNP rs1764812403, ClinGen allele CA361132926.

ClinVar aggregate classification (germline): Uncertain significance. Review status: criteria provided, multiple submitters, no conflicts (2 of 4 stars). 2 submissions from 2 submitters: Uncertain significance (2). Last evaluated 2025-05-28.

Conditions:
Hereditary cancer-predisposing syndrome. Also called: Hereditary neoplastic syndrome; Neoplastic Syndromes, Hereditary; Tumor predisposition; Hereditary Cancer Syndrome. Identifiers: Orphanet 140162, MedGen C0027672, MeSH D009386, MONDO:0015356.

Submissions (2):

Ambry Genetics
Classification: Uncertain significance for Hereditary cancer-predisposing syndrome. Last evaluated: 2025-05-28. Review status: criteria provided, single submitter. Criteria: Ambry Variant Classification Scheme 2023. Collection method: clinical testing. Allele origin: germline.
Comment: The p.Q667R variant (also known as c.2000A>G), located in coding exon 13 of the CTNNA1 gene, results from an A to G substitution at nucleotide position 2000. The glutamine at codon 667 is replaced by arginine, an amino acid with highly similar properties. This amino acid position is conserved. In addition, the in silico prediction for this alteration is inconclusive. Based on the available evidence, the clinical significance of this variant remains unclear.

Labcorp Genetics (formerly Invitae), Labcorp
Classification: Uncertain significance. Last evaluated: 2019-10-18. Review status: criteria provided, single submitter. Criteria: Invitae Variant Classification Sherloc (09022015). Collection method: clinical testing. Allele origin: germline.
Comment: In summary, the available evidence is currently insufficient to determine the role of this variant in disease. Therefore, it has been classified as a Variant of Uncertain Significance. Algorithms developed to predict the effect of missense changes on protein structure and function are either unavailable or do not agree on the potential impact of this missense change (SIFT: "Deleterious"; PolyPhen-2: "Benign"; Align-GVGD: "Class C0"). This variant has not been reported in the literature in individuals with CTNNA1-related conditions. This variant is not present in population databases (ExAC no frequency). This sequence change replaces glutamine with arginine at codon 667 of the CTNNA1 protein (p.Gln667Arg). The glutamine residue is highly conserved and there is a small physicochemical difference between glutamine and arginine.